The following is an entry in ClinVar:

ClinVar aggregate classification (germline): Benign/Likely benign. Review status: criteria provided, multiple submitters, no conflicts (2 of 4 stars). 7 submissions from 6 submitters: Benign (3); Likely benign (3). 1 of the submissions does not count toward it. Last evaluated 2026-07-01.

Conditions:
Inborn genetic diseases. Identifiers: MedGen C0950123, MeSH D030342.
Familial cutaneous telangiectasia and oropharyngeal predisposition cancer syndrome. Identifiers: Orphanet 313846, MedGen C3281203, MONDO:0013806, OMIM 614564.
ATR-related disorder. Also called: ATR-related condition.
Seckel syndrome 1 (SCKL1). Also called: MICROCEPHALIC PRIMORDIAL DWARFISM I. Identifiers: Orphanet 808, MedGen C4551474, MONDO:0008869, OMIM 210600.

Allele frequency attached by ClinVar (database versions not stated): TOPMed 0.00006; ESP Exome Variant Server 0.00008; gnomAD exomes 0.00034 and 0.00080; ExAC 0.00046; gnomAD 0.00052 and 0.00058.
gnomAD v4.1: 574 of 1,613,974 alleles (0.036%); highest among the groups gnomAD compares: Middle Eastern, 0.016%; 3 homozygotes.

Submissions (7):

CeGaT Center for Human Genetics Tuebingen
Classification: Likely benign. Last evaluated: 2026-07-01. Review status: criteria provided, single submitter. Criteria: CeGaT Center For Human Genetics Tuebingen Variant Classification Criteria Version 2. Collection method: clinical testing. Allele origin: germline. Affected: yes. Observed: 2 variant alleles.
Comment: ATR: BP4, BP7

Labcorp Genetics (formerly Invitae), Labcorp
Classification: Benign. Last evaluated: 2025-11-19. Review status: criteria provided, single submitter. Criteria: Invitae Variant Classification Sherloc (09022015). Collection method: clinical testing. Allele origin: germline.

Blueprint Genetics
Classification: Likely benign. Last evaluated: 2024-11-08. Review status: criteria provided, single submitter. Criteria: ACMG Guidelines, 2015. Collection method: clinical testing. Allele origin: germline.

Genome-Nilou Lab
Classification: Benign for Seckel syndrome 1. Last evaluated: 2023-02-08. Review status: criteria provided, single submitter. Criteria: ACMG Guidelines, 2015. Collection method: clinical testing. Allele origin: germline.

Genome-Nilou Lab
Classification: Benign for Familial cutaneous telangiectasia and oropharyngeal predisposition cancer syndrome. Last evaluated: 2023-02-08. Review status: criteria provided, single submitter. Criteria: ACMG Guidelines, 2015. Collection method: clinical testing. Allele origin: germline.

Ambry Genetics
Classification: Likely benign for Inborn genetic diseases. Last evaluated: 2022-02-13. Review status: criteria provided, single submitter. Criteria: Ambry Variant Classification Scheme 2023. Collection method: clinical testing. Allele origin: germline.

PreventionGenetics, part of Exact Sciences
Classification: Benign for ATR-related condition. Last evaluated: 2019-07-30. Review status: no assertion criteria provided. Collection method: clinical testing. Allele origin: germline. Not counted in ClinVar's aggregate classification.
Comment: This variant is classified as benign based on ACMG/AMP sequence variant interpretation guidelines (Richards et al. 2015 PMID: 25741868, with internal and published modifications).

NM_001184.4(ATR):c.993C>T (p.Asp331=)

Gene: ATR (ATR checkpoint kinase; minus strand). Cytogenetic location: 3q23.
Variant type: single nucleotide variant.
Coding change: c.993C>T on transcript NM_001184.4 (MANE Select); coding-DNA position 993, C replaced by T.
Protein change: p.Asp331=; no amino-acid change (aspartic acid 331 retained).
Molecular consequence: synonymous variant.
Genome position (GRCh38, 1-based): chr3:142,562,409, G>A on the plus strand (C>T on the coding strand, the complement: ATR is on the minus strand). VCF-style: chr3-142562409-G-A. GRCh37 (hg19) VCF-style: chr3-142281251-G-A.
Other names: c.993C>T, p.Asp331= (NM_001354579.2).
Identifiers: ClinVar variation 696156 (VCV000696156.47), dbSNP rs139379319, ClinGen allele CA2650695.